The following is an entry in ClinVar:

ClinVar aggregate classification (germline): Uncertain significance (1 of 4 stars; one submission).

Conditions:
Hemolytic anemia due to glucophosphate isomerase deficiency (CNSHA4). Also called: ANEMIA, CONGENITAL, NONSPHEROCYTIC HEMOLYTIC, 4. Identifiers: Orphanet 712, MedGen C0272064, MONDO:0013275, OMIM 613470.

gnomAD v4.1: 2 of 1,613,868 alleles (0.00012%); highest among the groups gnomAD compares: East Asian, 0.0022%; no homozygotes.

Submission:

Juno Genomics, Hangzhou Juno Genomics, Inc
Classification: Uncertain significance for Hemolytic anemia due to glucophosphate isomerase deficiency. Review status: criteria provided, single submitter. Criteria: ACMG Guidelines, 2015. Collection method: clinical testing. Allele origin: germline.
Comment: Absent from controls (or at extremely low frequency if recessive) in Genome Aggregation Database.;Multiple lines of computational evidence support a deleterious effect on the gene or gene product.

NM_000175.5(GPI):c.1424A>G (p.Asn475Ser)

Gene: GPI (glucose-6-phosphate isomerase; plus strand). Cytogenetic location: 19q13.11.
Variant type: single nucleotide variant.
Coding change: c.1424A>G on transcript NM_000175.5 (MANE Select); coding-DNA position 1424, A replaced by G.
Protein change: p.Asn475Ser; replaces asparagine 475 with serine.
Molecular consequence: missense variant.
Genome position (GRCh38, 1-based): chr19:34,399,581, A>G. VCF-style: chr19-34399581-A-G. GRCh37 (hg19) VCF-style: chr19-34890486-A-G.
Other names: c.1457A>G, p.Asn486Ser (NM_001184722.1); c.1541A>G, p.Asn514Ser (NM_001289789.1, NM_001440422.1); c.1340A>G, p.Asn447Ser (NM_001289790.3); c.1424A>G, p.Asn475Ser (NM_001329909.1, NM_001329910.1); c.1397A>G, p.Asn466Ser (NM_001329911.2); short protein forms N447S, N466S, N475S, N514S, N486S.
Identifiers: ClinVar variation 5005960 (VCV005005960.2).